The following is an entry in ClinVar:

ClinVar aggregate classification (germline): Uncertain significance (1 of 4 stars; one submission).

Allele frequency attached by ClinVar (database versions not stated): gnomAD exomes below 0.00001; gnomAD 0.00001; TOPMed 0.00001.
gnomAD v4.1: 2 of 1,613,594 alleles (0.00012%); highest among the groups gnomAD compares: African/African-American, 0.0013%; no homozygotes.

Submission:

Labcorp Genetics (formerly Invitae), Labcorp
Classification: Uncertain significance. Last evaluated: 2023-02-27. Review status: criteria provided, single submitter. Criteria: Invitae Variant Classification Sherloc (09022015). Collection method: clinical testing. Allele origin: germline.
Comment: This sequence change replaces histidine, which is basic and polar, with arginine, which is basic and polar, at codon 329 of the ANGPT1 protein (p.His329Arg). This variant is not present in population databases (gnomAD no frequency). This variant has not been reported in the literature in individuals affected with ANGPT1-related conditions. An algorithm developed to predict the effect of missense changes on protein structure and function (PolyPhen-2) suggests that this variant is likely to be tolerated. In summary, the available evidence is currently insufficient to determine the role of this variant in disease. Therefore, it has been classified as a Variant of Uncertain Significance.

NM_001146.5(ANGPT1):c.986A>G (p.His329Arg)

Gene: ANGPT1 (angiopoietin 1; minus strand). Cytogenetic location: 8q23.1.
Variant type: single nucleotide variant.
Coding change: c.986A>G on transcript NM_001146.5 (MANE Select); coding-DNA position 986, A replaced by G.
Protein change: p.His329Arg; replaces histidine 329 with arginine.
Molecular consequence: missense variant.
Genome position (GRCh38, 1-based): chr8:107,293,988, T>C on the plus strand (A>G on the coding strand, the complement: ANGPT1 is on the minus strand). VCF-style: chr8-107293988-T-C. GRCh37 (hg19) VCF-style: chr8-108306216-T-C.
Other names: c.983A>G, p.His328Arg (NM_001199859.3); c.386A>G, p.His129Arg (NM_001314051.2); short protein forms H328R, H329R, H129R.
Identifiers: ClinVar variation 2781570 (VCV002781570.3), dbSNP rs1338241505, ClinGen allele CA372033068.